The following is an entry in ClinVar:

NM_003227.4(TFR2):c.1746del (p.Val583fs)

Gene: TFR2 (transferrin receptor 2; minus strand). Cytogenetic location: 7q22.1.
Variant type: Deletion.
Coding change: c.1746del on transcript NM_003227.4 (MANE Select); coding-DNA position 1746, one base deleted (C; older notation c.1746delC).
Protein change: p.Val583fs; shifts the reading frame from valine 583.
Molecular consequence: frameshift variant.
Genome position (GRCh38, 1-based): chr7:100,627,598, G deleted on the plus strand (C on the coding strand, the reverse complement: TFR2 is on the minus strand); the first of 2 consecutive G bases (chr7:100,627,598-100,627,599); deleting either gives the same sequence. VCF-style (leftmost placement, unchanged base first): chr7-100627597-CG-C. GRCh37 (hg19) VCF-style: chr7-100225220-CG-C.
Other names: c.1233del, p.Val412fs (NM_001206855.3); short protein forms V412fs, V583fs.
Identifiers: ClinVar variation 581375 (VCV000581375.8), dbSNP rs1562838535, ClinGen allele CA891842876.

ClinVar aggregate classification (germline): Pathogenic (1 of 4 stars; one submission).

Conditions:
Hereditary hemochromatosis (HFE). Identifiers: MedGen C0392514, MONDO:0006507. Disease mechanism: loss of function.

Submission:

Labcorp Genetics (formerly Invitae), Labcorp
Classification: Pathogenic for Hereditary hemochromatosis. Last evaluated: 2019-02-11. Review status: criteria provided, single submitter. Criteria: Invitae Variant Classification Sherloc (09022015). Collection method: clinical testing. Allele origin: germline.
Comment: This sequence change creates a premature translational stop signal (p.Val583Serfs*87) in the TFR2 gene. It is expected to result in an absent or disrupted protein product. This variant is not present in population databases (ExAC no frequency). For these reasons, this variant has been classified as Pathogenic. Loss-of-function variants in TFR2 are known to be pathogenic (PMID: 23600741, 26029709). This variant has not been reported in the literature in individuals with TFR2-related disease.

Literature cited by the submitters: PubMed 23600741; PubMed 26029709.